The following is an entry in ClinVar:

ClinVar aggregate classification (germline): Uncertain significance (1 of 4 stars; one submission).

Submission:

GeneDx
Classification: Uncertain significance. Last evaluated: 2022-04-22. Review status: criteria provided, single submitter. Criteria: GeneDx Variant Classification Process June 2021. Collection method: clinical testing. Allele origin: germline. Affected: yes.
Comment: Not observed at significant frequency in large population cohorts (gnomAD); In silico analysis supports that this missense variant has a deleterious effect on protein structure/function; Has not been previously published as pathogenic or benign to our knowledge

NM_001606.5(ABCA2):c.3407T>G (p.Ile1136Ser)

Gene: ABCA2 (ATP binding cassette subfamily A member 2; minus strand). Cytogenetic location: 9q34.3.
Variant type: single nucleotide variant.
Coding change: c.3407T>G on transcript NM_001606.5 (MANE Select); coding-DNA position 3407, T replaced by G.
Protein change: p.Ile1136Ser; replaces isoleucine 1136 with serine.
Molecular consequence: missense variant.
Genome position (GRCh38, 1-based): chr9:137,015,782, A>C on the plus strand (T>G on the coding strand, the complement: ABCA2 is on the minus strand). VCF-style: chr9-137015782-A-C. GRCh37 (hg19) VCF-style: chr9-139910234-A-C.
Other names: c.3404T>G, p.Ile1135Ser (NM_001411042.1); c.3497T>G, p.Ile1166Ser (NM_212533.3); short protein forms I1135S, I1136S, I1166S.
Identifiers: ClinVar variation 1711882 (VCV001711882.2), dbSNP rs2491525481, ClinGen allele CA375669732.